The following is an entry in ClinVar:

ClinVar aggregate classification (germline): Uncertain significance (1 of 4 stars; one submission).

Conditions:
ALMS1-related disorder. Also called: ALMS1-related condition.

Submission:

PreventionGenetics, part of Exact Sciences
Classification: Uncertain significance for ALMS1-related condition. Last evaluated: 2024-02-14. Review status: criteria provided, single submitter. Criteria: ACMG Guidelines, 2015. Collection method: clinical testing. Allele origin: germline.
Comment: The ALMS1 c.11147A>G variant is predicted to result in the amino acid substitution p.Asp3716Gly. To our knowledge, this variant has not been reported in the literature. This variant is reported in 0.014% of alleles in individuals of Latino descent in gnomAD. At this time, the clinical significance of this variant is uncertain due to the absence of conclusive functional and genetic evidence.

NM_001378454.1(ALMS1):c.11144A>G (p.Lys3715Arg)

Gene: ALMS1 (ALMS1 centrosome and basal body associated protein; plus strand). Cytogenetic location: 2p13.1.
Variant type: single nucleotide variant.
Coding change: c.11144A>G on transcript NM_001378454.1 (MANE Select); coding-DNA position 11144, A replaced by G.
Protein change: p.Lys3715Arg; replaces lysine 3715 with arginine.
Molecular consequence: missense variant.
Genome position (GRCh38, 1-based): chr2:73,573,021, A>G. VCF-style: chr2-73573021-A-G. GRCh37 (hg19) VCF-style: chr2-73800148-A-G.
Other names: c.11147A>G, p.Lys3716Arg (NM_015120.4); short protein forms K3715R, K3716R.
Identifiers: ClinVar variation 3031932 (VCV003031932.1), dbSNP rs2466446187, ClinGen allele CA347287547.
Genomic context (GRCh38, chr2:73,573,021, plus strand): 5'-GCAAGGTGCTTTCTCATCATCGAGCTGGGAGGTCTAATCAAATTAAAATTGAACAGATTA[A>G]ATTTGATAAATATATTCTGAGTAAACAGCCAGGTTTTAATTATATAAGCAACACTTCTTC-3'
Protein context (NP_001365383.1, residues 3705-3725): RSNQIKIEQI[Lys3715Arg]FDKYILSKQP